The following is an entry in ClinVar:

ClinVar aggregate classification (germline): Uncertain significance. Review status: criteria provided, multiple submitters, no conflicts (2 of 4 stars). 3 submissions from 3 submitters: Uncertain significance (3). Last evaluated 2024-07-10.

Conditions:
Inborn genetic diseases. Identifiers: MedGen C0950123, MeSH D030342.

Allele frequency attached by ClinVar (database versions not stated): TOPMed 0.00008; gnomAD 0.00010 and 0.00011; gnomAD exomes 0.00015; ESP Exome Variant Server 0.00017; ExAC 0.00018.

Submissions (3):

Ambry Genetics
Classification: Uncertain significance for Inborn genetic diseases. Last evaluated: 2024-07-10. Review status: criteria provided, single submitter. Criteria: Ambry Variant Classification Scheme 2023. Collection method: clinical testing. Allele origin: germline.

Labcorp Genetics (formerly Invitae), Labcorp
Classification: Uncertain significance. Last evaluated: 2021-10-10. Review status: criteria provided, single submitter. Criteria: Invitae Variant Classification Sherloc (09022015). Collection method: clinical testing. Allele origin: germline.
Comment: In summary, the available evidence is currently insufficient to determine the role of this variant in disease. Therefore, it has been classified as a Variant of Uncertain Significance. Algorithms developed to predict the effect of missense changes on protein structure and function output the following: SIFT: "Tolerated"; PolyPhen-2: "Benign"; Align-GVGD: "Class C0". The lysine amino acid residue is found in multiple mammalian species, which suggests that this missense change does not adversely affect protein function. This variant has not been reported in the literature in individuals affected with OBSL1-related conditions. This variant is present in population databases (rs376047463, ExAC 0.03%). This sequence change replaces glutamic acid with lysine at codon 1752 of the OBSL1 protein (p.Glu1752Lys). The glutamic acid residue is weakly conserved and there is a small physicochemical difference between glutamic acid and lysine.

Blueprint Genetics
Classification: Uncertain significance. Last evaluated: 2021-02-24. Review status: criteria provided, single submitter. Criteria: ACMG Guidelines, 2015. Collection method: clinical testing. Allele origin: germline.

NM_015311.3(OBSL1):c.5254G>A (p.Glu1752Lys)

Gene: OBSL1 (obscurin like cytoskeletal adaptor 1; minus strand). Cytogenetic location: 2q35.
Variant type: single nucleotide variant.
Coding change: c.5254G>A on transcript NM_015311.3 (MANE Select); coding-DNA position 5254, G replaced by A.
Protein change: p.Glu1752Lys; replaces glutamic acid 1752 with lysine.
Molecular consequence: missense variant.
Genome position (GRCh38, 1-based): chr2:219,552,590, C>T on the plus strand (G>A on the coding strand, the complement: OBSL1 is on the minus strand). VCF-style: chr2-219552590-C-T. GRCh37 (hg19) VCF-style: chr2-220417312-C-T.
Other names: c.5254G>A (NM_015311.2); short protein forms E1752K.
Identifiers: ClinVar variation 1419220 (VCV001419220.7), dbSNP rs376047463, ClinGen allele CA2130313.